The following is an entry in ClinVar:

NM_058216.3(RAD51C):c.2T>A (p.Met1Lys)

Gene: RAD51C (RAD51 paralog C; plus strand). Cytogenetic location: 17q22.
Variant type: single nucleotide variant.
Coding change: c.2T>A on transcript NM_058216.3 (MANE Select); coding-DNA position 2, T replaced by A.
Protein change: p.Met1Lys; changes the start codon (methionine 1).
Molecular consequence: missense variant, initiator codon variant. On other transcripts: non-coding transcript variant (2).
Genome position (GRCh38, 1-based): chr17:58,692,645, T>A. VCF-style: chr17-58692645-T-A. GRCh37 (hg19) VCF-style: chr17-56770006-T-A.
Other names: c.2T>A, p.Met1Lys (NM_002876.4); short protein forms M1K.
Identifiers: ClinVar variation 5027805 (VCV005027805.1).
Genomic context (GRCh38, chr17:58,692,645, plus strand): 5'-CACGCCCCAGCGAGGGCGTGCGGAGTTTGGCTGCTCCGGGGTTAGCAGGTGAGCCTGCGA[T>A]GCGCGGGAAGACGTTCCGCTTTGAAATGCAGCGGGATTTGGTGAGTTTCCCGCTGTCTCC-3'
Protein context (NP_478123.1, residues 1-11): [Met1Lys]RGKTFRFEMQ

ClinVar aggregate classification (germline): Uncertain significance (1 of 4 stars; one submission).

Conditions:
Hereditary cancer-predisposing syndrome. Also called: Neoplastic Syndromes, Hereditary; Tumor predisposition; Hereditary neoplastic syndrome; Hereditary Cancer Syndrome. Identifiers: Orphanet 140162, MedGen C0027672, MeSH D009386, MONDO:0015356.

Submission:

Ambry Genetics
Classification: Uncertain significance for Hereditary cancer-predisposing syndrome. Last evaluated: 2026-07-13. Review status: criteria provided, single submitter. Criteria: Ambry Variant Classification Scheme 2023. Collection method: clinical testing. Allele origin: germline.
Comment: The p.M1? variant (also known as c.2T>A) is located in coding exon 1 of the RAD51C gene and results from a T to A substitution at nucleotide position 2. This alters the methionine residue at the initiation codon. Variations that modify the initiation codon (ATG) are expected to result in either loss of translation initiation, N-terminal truncation, or cause a shift in the mRNA reading frame; however, there is an in-frame methionine 9 amino acids from the initiation site, which may result in N-terminal truncation of unknown functional significance. Since supporting evidence is limited at this time, the clinical significance of this alteration remains unclear.